The following is an entry in ClinVar:

ClinVar aggregate classification (germline): Benign. Review status: criteria provided, multiple submitters, no conflicts (2 of 4 stars). 2 submissions from 2 submitters: Benign (2). Last evaluated 2018-06-15.

Allele frequency attached by ClinVar (database versions not stated): 1000 Genomes Project 30x 0.49219; 1000 Genomes Project 0.49661; TOPMed 0.50844; gnomAD 0.52299 and 0.52869; gnomAD exomes 0.60693.
gnomAD v4.1: 464,317 of 785,548 alleles (59%); highest among the groups gnomAD compares: Non-Finnish European, 61%; 140,850 homozygotes.

Submissions (2):

GeneDx
Classification: Benign. Last evaluated: 2018-06-15. Review status: criteria provided, single submitter. Criteria: GeneDx Variant Classification (06012015). Collection method: clinical testing. Allele origin: germline. Affected: yes.
Comment: This variant is considered likely benign or benign based on one or more of the following criteria: it is a conservative change, it occurs at a poorly conserved position in the protein, it is predicted to be benign by multiple in silico algorithms, and/or has population frequency not consistent with disease.

Breakthrough Genomics
Classification: Benign. Review status: criteria provided, single submitter. Criteria: ACMG Guidelines, 2015. Collection method: not provided. Allele origin: germline. Inheritance: Autosomal recessive inheritance. Affected: yes.

NM_032578.4(MYPN):c.903-148T>C

Gene: MYPN (myopalladin; plus strand). Cytogenetic location: 10q21.3.
Variant type: single nucleotide variant.
Coding change: c.903-148T>C on transcript NM_032578.4 (MANE Select); 148 bases into the intron before coding-DNA position 903, T replaced by C.
Molecular consequence: intron variant.
Genome position (GRCh38, 1-based): chr10:68,142,792, T>C. VCF-style: chr10-68142792-T-C. GRCh37 (hg19) VCF-style: chr10-69902549-T-C.
Other names: c.903-148T>C (NM_001256267.2); c.21-148T>C (NM_001256268.2).
Identifiers: ClinVar variation 673049 (VCV000673049.2), dbSNP rs3814180, ClinGen allele CA208179958.